The following is an entry in ClinVar:

ClinVar aggregate classification (germline): Uncertain significance (0 of 4 stars; one submission).

Conditions:
EEF1B2-related condition.

Submission:

PreventionGenetics, part of Exact Sciences
Classification: Uncertain significance for EEF1B2-related condition. Last evaluated: 2024-07-03. Review status: no assertion criteria provided. Collection method: clinical testing. Allele origin: germline.
Comment: The EEF1B2 c.464T>G variant is predicted to result in the amino acid substitution p.Met155Arg. To our knowledge, this variant has not been reported in the literature. This variant is reported in 0.0040% of alleles in individuals of African descent in gnomAD. At this time, the clinical significance of this variant is uncertain due to the absence of conclusive functional and genetic evidence.

NM_001959.4(EEF1B2):c.464T>G (p.Met155Arg)

Gene: EEF1B2 (eukaryotic translation elongation factor 1 beta 2; plus strand). Cytogenetic location: 2q33.3.
Variant type: single nucleotide variant.
Coding change: c.464T>G on transcript NM_001959.4 (MANE Select); coding-DNA position 464, T replaced by G.
Protein change: p.Met155Arg; replaces methionine 155 with arginine.
Molecular consequence: missense variant.
Genome position (GRCh38, 1-based): chr2:206,162,555, T>G. VCF-style: chr2-206162555-T-G. GRCh37 (hg19) VCF-style: chr2-207027279-T-G.
Other names: c.464T>G, p.Met155Arg (NM_001037663.2, NM_021121.4); short protein forms M155R.
Identifiers: ClinVar variation 3352015 (VCV003352015.1).